The following is an entry in ClinVar:

NM_178452.6(DNAAF1):c.73G>C (p.Glu25Gln)

Gene: DNAAF1 (dynein axonemal assembly factor 1; plus strand). Cytogenetic location: 16q24.1.
Variant type: single nucleotide variant.
Coding change: c.73G>C on transcript NM_178452.6 (MANE Select); coding-DNA position 73, G replaced by C.
Protein change: p.Glu25Gln; replaces glutamic acid 25 with glutamine.
Molecular consequence: missense variant.
Genome position (GRCh38, 1-based): chr16:84,145,513, G>C. VCF-style: chr16-84145513-G-C. GRCh37 (hg19) VCF-style: chr16-84179118-G-C.
Other names: short protein forms E25Q.
Identifiers: ClinVar variation 856917 (VCV000856917.10), dbSNP rs565199726, ClinGen allele CA396938094.

ClinVar aggregate classification (germline): Uncertain significance (1 of 4 stars; one submission).

Conditions:
Primary ciliary dyskinesia. Also called: Ciliary dyskinesia. Identifiers: Orphanet 244, MedGen C0008780, MONDO:0016575, HP:0012265.

Allele frequency attached by ClinVar (database versions not stated): gnomAD exomes below 0.00001; TOPMed below 0.00001; gnomAD 0.00001.
gnomAD v4.1: 4 of 1,560,026 alleles (0.00026%); highest among the groups gnomAD compares: African/African-American, 0.0027%; no homozygotes.

Submission:

Labcorp Genetics (formerly Invitae), Labcorp
Classification: Uncertain significance for Primary ciliary dyskinesia. Last evaluated: 2019-01-26. Review status: criteria provided, single submitter. Criteria: Invitae Variant Classification Sherloc (09022015). Collection method: clinical testing. Allele origin: germline.
Comment: This sequence change replaces glutamic acid with glutamine at codon 25 of the DNAAF1 protein (p.Glu25Gln). The glutamic acid residue is moderately conserved and there is a small physicochemical difference between glutamic acid and glutamine. This variant is not present in population databases (ExAC no frequency). This variant has not been reported in the literature in individuals with DNAAF1-related conditions. Algorithms developed to predict the effect of missense changes on protein structure and function are either unavailable or do not agree on the potential impact of this missense change (SIFT: "Deleterious"; PolyPhen-2: "Benign"; Align-GVGD: "Class C0"). In summary, the available evidence is currently insufficient to determine the role of this variant in disease. Therefore, it has been classified as a Variant of Uncertain Significance.